The following is an entry in ClinVar:

NM_000094.4(COL7A1):c.8503_8510del (p.Arg2835fs)

Gene: COL7A1 (collagen type VII alpha 1 chain; minus strand). Cytogenetic location: 3p21.31.
Variant type: Deletion.
Coding change: c.8503_8510del on transcript NM_000094.4 (MANE Select); coding-DNA positions 8503 to 8510, 8 bases deleted (CGCGTCTC; older notation c.8503_8510delCGCGTCTC).
Protein change: p.Arg2835fs; shifts the reading frame from arginine 2835.
Molecular consequence: frameshift variant.
Genome position (GRCh38, 1-based): chr3:48,565,427-48,565,434, GAGACGCG deleted on the plus strand (CGCGTCTC on the coding strand, the reverse complement: COL7A1 is on the minus strand); deleting any 8 consecutive bases within chr3:48,565,427-48,565,437 gives the same sequence; the c. name uses the placement nearest the transcript's 3' end. VCF-style (leftmost placement, unchanged base first): chr3-48565426-AGAGACGCG-A. GRCh37 (hg19) VCF-style: chr3-48602859-AGAGACGCG-A.
Other names: short protein forms R2835fs.
Identifiers: ClinVar variation 2831314 (VCV002831314.3), dbSNP rs2530802196, ClinGen allele CA2739278408.

ClinVar aggregate classification (germline): Pathogenic (1 of 4 stars; one submission).

Submission:

Labcorp Genetics (formerly Invitae), Labcorp
Classification: Pathogenic. Last evaluated: 2023-01-23. Review status: criteria provided, single submitter. Criteria: Invitae Variant Classification Sherloc (09022015). Collection method: clinical testing. Allele origin: germline.
Comment: For these reasons, this variant has been classified as Pathogenic. This variant has not been reported in the literature in individuals affected with COL7A1-related conditions. This variant is not present in population databases (gnomAD no frequency). This sequence change creates a premature translational stop signal (p.Arg2835Serfs*11) in the COL7A1 gene. It is expected to result in an absent or disrupted protein product. Loss-of-function variants in COL7A1 are known to be pathogenic (PMID: 16971478).

Literature cited by the submitters: PubMed 16971478.